The following is an entry in ClinVar:

NM_001100.4(ACTA1):c.687G>C (p.Met229Ile)

Gene: ACTA1 (actin alpha 1, skeletal muscle; minus strand). Cytogenetic location: 1q42.13.
Variant type: single nucleotide variant.
Coding change: c.687G>C on transcript NM_001100.4 (MANE Select); coding-DNA position 687, G replaced by C.
Protein change: p.Met229Ile; replaces methionine 229 with isoleucine.
Molecular consequence: missense variant.
Genome position (GRCh38, 1-based): chr1:229,432,115, C>G on the plus strand (G>C on the coding strand, the complement: ACTA1 is on the minus strand). VCF-style: chr1-229432115-C-G. GRCh37 (hg19) VCF-style: chr1-229567862-C-G.
Other names: NM_001100.4:c.687G>C; short protein forms M229I.
Identifiers: ClinVar variation 4976914 (VCV004976914.1).

ClinVar aggregate classification (germline): Pathogenic (3 of 4 stars; one submission).

Conditions:
Alpha-actinopathy. Also called: Actinopathy. Identifiers: MedGen CN295279, MONDO:0100084.

Submission:

ClinGen Congenital Myopathies Variant Curation Expert Panel, ClinGen
Classification: Pathogenic for Alpha-actinopathy. Last evaluated: 2026-09-14. Review status: reviewed by expert panel. Criteria: ClinGen CongenMyopathy ACMG Specifications ACTA1_AD_ V2.0.0. Collection method: curation. Allele origin: germline. Inheritance: Autosomal dominant inheritance.
Comment: The NM_001100.4(ACTA1):c.687G>C variant in ACTA1 is a missense variant predicted to cause substitution of methionine by isoleucine at amino acid 229 (p.Met229Ile, also known as p.Met227Thr). This variant is absent from gnomAD v4.1.1 (PM2_Supporting). The computational predictor REVEL gives a score of 0.842, which is above the threshold of 0.7, evidence that correlates with impact to ACTA1 function (PP3). ACTA1, in which the variant was identified, is defined by the ClinGen Congenital Myopathies VCEP as a gene that has a low rate of benign missense variation and where pathogenic missense variants are a common mechanism of disease (PP2). Different missense variants (c.686T>C (p.Met229Thr), c.685A>T (p.Met229Leu) and c.685A>G (p.Met229Val)) in the same codon have been classified as pathogenic/ likely pathogenic for alpha-actinopathy by the ClinGen Congenital Myopathies VCEP (PM5_Strong; SCV007612356.1, SCV007612355.1, SCV007612357.1). The same amino acid change (p.Met229Ile), resulting from a different nucleotide change c.687G>A, was observed as de novo and is classified as pathogenic for alpha-actinopathy by the ClinGen Congenital Myopathies VCEP (PS1). This variant has been reported in two probands with clinical features of congenital myopathies, of which one displayed presence of nemaline bodies, which is suggestive of ACTA1-related alpha-actinopathy (PS4_Supporting, PP4; PMID: 12921789, 15236405). In summary, this variant meets the criteria to be classified as pathogenic for autosomal dominant alpha-actinopathy based on the ACMG/AMP criteria applied, as specified by the ClinGen Congenital Myopathies VCEP: PM2_Supporting, PP3, PP2, PM5_Strong, PS1, PS4_Supporting, PP4 (ClinGen Congenital Myopathies VCEP specifications version 2.0).